The following is an entry in ClinVar:

NM_000180.4(GUCY2D):c.1660G>A (p.Val554Ile)

Gene: GUCY2D (guanylate cyclase 2D, retinal; plus strand). Cytogenetic location: 17p13.1.
Variant type: single nucleotide variant.
Coding change: c.1660G>A on transcript NM_000180.4 (MANE Select); coding-DNA position 1660, G replaced by A.
Protein change: p.Val554Ile; replaces valine 554 with isoleucine.
Molecular consequence: missense variant.
Genome position (GRCh38, 1-based): chr17:8,008,024, G>A. VCF-style: chr17-8008024-G-A. GRCh37 (hg19) VCF-style: chr17-7911342-G-A.
Other names: short protein forms V554I.
Identifiers: ClinVar variation 855233 (VCV000855233.6), dbSNP rs1975779836, ClinGen allele CA397949926.

ClinVar aggregate classification (germline): Uncertain significance (1 of 4 stars; one submission).

Conditions:
Leber congenital amaurosis 1 (LCA1). Also called: RETINAL BLINDNESS, CONGENITAL; AMAUROSIS CONGENITA OF LEBER I; Congenital absence of the rods and cones; Leber's congenital tapetoretinal degeneration; Leber's congenital tapetoretinal dysplasia. Identifiers: Orphanet 65, MedGen C2931258, MONDO:0008764, OMIM 204000.
Cone-rod dystrophy 6 (CORD6). Also called: Cone dystrophy progressive; RETINAL CONE DYSTROPHY 2. Identifiers: Orphanet 1872, MedGen C1866293, MONDO:0011143, OMIM 601777.

Allele frequency attached by ClinVar (database versions not stated): gnomAD exomes below 0.00001.
gnomAD v4.1: 2 of 1,603,252 alleles (0.00012%); highest among the groups gnomAD compares: Non-Finnish European, 0.00017%; no homozygotes.

Submission:

Labcorp Genetics (formerly Invitae), Labcorp
Classification: Uncertain significance for Leber congenital amaurosis 1; Cone-rod dystrophy 6. Last evaluated: 2022-09-19. Review status: criteria provided, single submitter. Criteria: Invitae Variant Classification Sherloc (09022015). Collection method: clinical testing. Allele origin: germline.
Comment: This sequence change replaces valine, which is neutral and non-polar, with isoleucine, which is neutral and non-polar, at codon 554 of the GUCY2D protein (p.Val554Ile). This variant is not present in population databases (gnomAD no frequency). This variant has not been reported in the literature in individuals affected with GUCY2D-related conditions. ClinVar contains an entry for this variant (Variation ID: 855233). Advanced modeling of protein sequence and biophysical properties (such as structural, functional, and spatial information, amino acid conservation, physicochemical variation, residue mobility, and thermodynamic stability) performed at Invitae indicates that this missense variant is not expected to disrupt GUCY2D protein function. In summary, the available evidence is currently insufficient to determine the role of this variant in disease. Therefore, it has been classified as a Variant of Uncertain Significance.